The following is an entry in ClinVar:

NM_152713.5(STT3A):c.981G>A (p.Thr327=)

Gene: STT3A (STT3 oligosaccharyltransferase complex catalytic subunit A; plus strand). Cytogenetic location: 11q24.2.
Variant type: single nucleotide variant.
Coding change: c.981G>A on transcript NM_152713.5 (MANE Select); coding-DNA position 981, G replaced by A.
Protein change: p.Thr327=; no amino-acid change (threonine 327 retained).
Molecular consequence: synonymous variant.
Genome position (GRCh38, 1-based): chr11:125,609,453, G>A. VCF-style: chr11-125609453-G-A. GRCh37 (hg19) VCF-style: chr11-125479348-G-A.
Other names: c.981G>A, p.Thr327= (NM_001278503.2); c.705G>A, p.Thr235= (NM_001278504.2).
Identifiers: ClinVar variation 4749702 (VCV004749702.1).

ClinVar aggregate classification (germline): Uncertain significance (1 of 4 stars; one submission).

gnomAD v4.1: 23 of 1,610,402 alleles (0.0014%); highest among the groups gnomAD compares: East Asian, 0.013%; no homozygotes.

Submission:

Labcorp Genetics (formerly Invitae), Labcorp
Classification: Uncertain significance. Last evaluated: 2025-10-21. Review status: criteria provided, single submitter. Criteria: Invitae Variant Classification Sherloc (09022015). Collection method: clinical testing. Allele origin: germline.
Comment: This sequence change affects codon 327 of the STT3A mRNA. It is a 'silent' change, meaning that it does not change the encoded amino acid sequence of the STT3A protein. This variant is present in population databases (rs564929419, gnomAD 0.06%). This variant has not been reported in the literature in individuals affected with STT3A-related conditions. Algorithms developed to predict the effect of sequence changes on RNA splicing suggest that this variant may create or strengthen a splice site. In summary, the available evidence is currently insufficient to determine the role of this variant in disease. Therefore, it has been classified as a Variant of Uncertain Significance.